The following is an entry in ClinVar:

NC_000013.10:g.(?_51528021)_(51530610_?)del

Gene: RNASEH2B (ribonuclease H2 subunit B; plus strand). Cytogenetic location: 13q14.3.
Variant type: Deletion.
Identifiers: ClinVar variation 1376409 (VCV001376409.6).

ClinVar aggregate classification (germline): Uncertain significance (1 of 4 stars; one submission).

Conditions:
Aicardi-Goutieres syndrome 2. Identifiers: Orphanet 51, MedGen C3489724, MONDO:0012429, OMIM 610181.

Submission:

Labcorp Genetics (formerly Invitae), Labcorp
Classification: Uncertain significance for Aicardi-Goutieres syndrome 2. Last evaluated: 2022-07-05. Review status: criteria provided, single submitter. Criteria: Invitae Variant Classification Sherloc (09022015). Collection method: clinical testing. Allele origin: germline.
Comment: This variant is a gross deletion of the genomic region encompassing exon(s) 10-11 of the RNASEH2B gene, which includes the termination codon. This deletion extends beyond the assayed region for this gene and therefore may encompass additional genes. While this deletion is not anticipated to lead to nonsense mediated decay, it is expected to alter mRNA translation or result in a truncated protein product. This variant has not been reported in the literature in individuals affected with RNASEH2B-related conditions. In summary, the available evidence is currently insufficient to determine the role of this variant in disease. Therefore, it has been classified as a Variant of Uncertain Significance.